The following is an entry in ClinVar:

ClinVar aggregate classification (germline): Benign/Likely benign. Review status: criteria provided, multiple submitters, no conflicts (2 of 4 stars). 4 submissions from 4 submitters: Benign (1); Likely benign (3). Last evaluated 2025-02-06.

Conditions:
Hereditary cancer-predisposing syndrome. Also called: Neoplastic Syndromes, Hereditary; Hereditary neoplastic syndrome; Hereditary Cancer Syndrome; Tumor predisposition. Identifiers: Orphanet 140162, MedGen C0027672, MeSH D009386, MONDO:0015356.
POLD1-related polyposis and colorectal cancer syndrome (CRCS10). Also called: Colorectal cancer, susceptibility to, 10; Colorectal cancer 10; COLORECTAL CANCER, SUSCEPTIBILITY TO, ON CHROMOSOME 19q. Identifiers: Orphanet 220460, MedGen C2675481, MONDO:0012953, OMIM 612591.

Submissions (4):

Myriad Genetics, Inc.
Classification: Benign for POLD1-related polyposis and colorectal cancer syndrome. Last evaluated: 2025-02-06. Review status: criteria provided, single submitter. Criteria: Myriad Autosomal Dominant, Autosomal Recessive and X-Linked Classification Criteria (2023). Collection method: clinical testing. Allele origin: unknown.
Comment: This variant is considered benign. This variant is a silent/synonymous amino acid change and it is not expected to impact splicing.

Labcorp Genetics (formerly Invitae), Labcorp
Classification: Likely benign for POLD1-related polyposis and colorectal cancer syndrome. Last evaluated: 2024-04-09. Review status: criteria provided, single submitter. Criteria: Invitae Variant Classification Sherloc (09022015). Collection method: clinical testing. Allele origin: germline.

Ambry Genetics
Classification: Likely benign for Hereditary cancer-predisposing syndrome. Last evaluated: 2022-09-26. Review status: criteria provided, single submitter. Criteria: Ambry Variant Classification Scheme 2023. Collection method: clinical testing. Allele origin: germline.

GeneDx
Classification: Likely benign. Last evaluated: 2016-05-04. Review status: criteria provided, single submitter. Criteria: GeneDx Variant Classification (06012015). Collection method: clinical testing. Allele origin: germline. Affected: yes.
Comment: This variant is considered likely benign or benign based on one or more of the following criteria: it is a conservative change, it occurs at a poorly conserved position in the protein, it is predicted to be benign by multiple in silico algorithms, and/or has population frequency not consistent with disease.

NM_002691.4(POLD1):c.1489C>T (p.Leu497=)

Gene: POLD1 (DNA polymerase delta 1, catalytic subunit; plus strand). Cytogenetic location: 19q13.33.
Variant type: single nucleotide variant.
Coding change: c.1489C>T on transcript NM_002691.4 (MANE Select); coding-DNA position 1489, C replaced by T.
Protein change: p.Leu497=; no amino-acid change (leucine 497 retained).
Molecular consequence: synonymous variant. On other transcripts: non-coding transcript variant (1).
Genome position (GRCh38, 1-based): chr19:50,406,512, C>T. VCF-style: chr19-50406512-C-T. GRCh37 (hg19) VCF-style: chr19-50909769-C-T.
Other names: c.1489C>T, p.Leu497= (NM_001256849.1, NM_001308632.1).
Identifiers: ClinVar variation 386092 (VCV000386092.7), dbSNP rs1057522413, ClinGen allele CA16607911.